The following is an entry in ClinVar:

NM_001384140.1(PCDH15):c.3524A>G (p.Asn1175Ser)

Gene: PCDH15 (protocadherin related 15; minus strand). Cytogenetic location: 10q21.1.
Variant type: single nucleotide variant.
Coding change: c.3524A>G on transcript NM_001384140.1 (MANE Select); coding-DNA position 3524, A replaced by G.
Protein change: p.Asn1175Ser; replaces asparagine 1175 with serine.
Molecular consequence: missense variant.
Genome position (GRCh38, 1-based): chr10:53,866,835, T>C on the plus strand (A>G on the coding strand, the complement: PCDH15 is on the minus strand). VCF-style: chr10-53866835-T-C. GRCh37 (hg19) VCF-style: chr10-55626595-T-C.
Other names: c.3539A>G, p.Asn1180Ser (NM_001142763.2, NM_001142771.2); c.3524A>G, p.Asn1175Ser (NM_001142764.2, NM_001142766.2, NM_001142770.3 and 4 more transcripts); c.3311A>G, p.Asn1104Ser (NM_001142765.2); c.3413A>G, p.Asn1138Ser (NM_001142767.2); c.3458A>G, p.Asn1153Ser (NM_001142768.2, NM_001142773.2, NM_001354404.2); c.3560A>G, p.Asn1187Ser (NM_001142769.4); c.3545A>G, p.Asn1182Ser (NM_001354411.2); short protein forms N1138S, N1175S, N1187S, N1180S, N1182S, N1153S, N1104S.
Identifiers: ClinVar variation 5004894 (VCV005004894.1).

ClinVar aggregate classification (germline): Uncertain significance (1 of 4 stars; one submission).

Conditions:
Usher syndrome type 1F (USH1F). Also called: USHER SYNDROME, TYPE IF. Identifiers: Orphanet 231169, Orphanet 886, MedGen C1865885, MONDO:0011186, OMIM 602083.

gnomAD v4.1: 10 of 1,611,878 alleles (0.00062%); highest among the groups gnomAD compares: African/African-American, 0.0067%; no homozygotes.

Submission:

Myriad Genetics, Inc.
Classification: Uncertain significance for Usher syndrome type 1F. Last evaluated: 2025-08-18. Review status: criteria provided, single submitter. Criteria: Myriad Autosomal Dominant, Autosomal Recessive and X-Linked Classification Criteria (2023). Collection method: clinical testing. Allele origin: unknown.
Comment: NM_033056.3(PCDH15):c.3524A>G(N1175S) is a missense variant classified as a variant of uncertain significance in the context of PCDH15-related disorders. N1175S has not been observed in cases with relevant disease. Relevant functional assessments of this variant are not available in the literature. N1175S has been observed in referenced population frequency databases. In summary, there is insufficient evidence to classify NM_033056.3(PCDH15):c.3524A>G(N1175S) as pathogenic or benign. Please note: this variant was assessed in the context of healthy population screening.